The following is an entry in ClinVar:

ClinVar aggregate classification (germline): Pathogenic (1 of 4 stars; one submission).

Conditions:
Hereditary spastic paraplegia 2 (SPG2). Also called: SPASTIC PARAPLEGIA 2, X-LINKED; Spastic Paraplegia 2 (SPG2). Identifiers: Orphanet 99015, MedGen C0751604, MONDO:0010733, OMIM 312920.

Submission:

Labcorp Genetics (formerly Invitae), Labcorp
Classification: Pathogenic for Hereditary spastic paraplegia 2. Last evaluated: 2022-08-31. Review status: criteria provided, single submitter. Criteria: Invitae Variant Classification Sherloc (09022015). Collection method: clinical testing. Allele origin: germline.
Comment: This variant disrupts the c.454-314 nucleotide in the PLP1 gene. Other variant(s) that disrupt this nucleotide have been determined to be pathogenic (PMID: 24890387). This suggests that this nucleotide is clinically significant, and that variants that disrupt this position are likely to be disease-causing. For these reasons, this variant has been classified as Pathogenic. Studies have shown that this variant alters mRNA splicing and is expected to lead to the loss of protein expression (PMID: 24890387). ClinVar contains an entry for this variant (Variation ID: 952824). This variant has been observed in individual(s) with Pelizaeus-Merzbacher disease or hereditary spastic paraplegia including at least one individual in whom the variant was observed to be de novo (PMID: 24890387, 26125040; Invitae). In at least one individual the variant was observed to be de novo. The frequency data for this variant in the population databases is considered unreliable, as metrics indicate insufficient coverage at this position in the gnomAD database. This sequence change falls in intron 3 of the PLP1 gene. It does not directly change the encoded amino acid sequence of the PLP1 protein.

Literature cited by the submitters: PubMed 24890387; PubMed 26125040.

NM_000533.5(PLP1):c.454-314T>G

Genes: RAB9B (RAB9B, member RAS oncogene family; minus strand), PLP1 (proteolipid protein 1; plus strand). Cytogenetic location: Xq22.2.
Variant type: single nucleotide variant.
Coding change: c.454-314T>G on transcript NM_000533.5 (MANE Select); 314 bases into the intron before coding-DNA position 454, T replaced by G.
Molecular consequence: intron variant.
Genome position (GRCh38, 1-based): chrX:103,787,484, T>G. VCF-style: chrX-103787484-T-G. GRCh37 (hg19) VCF-style: chrX-103042413-T-G.
Other names: c.454-314T>G (NM_001128834.3); c.349-314T>G (NM_199478.3); c.289-314T>G (NM_001305004.1).
Identifiers: ClinVar variation 952824 (VCV000952824.9), dbSNP rs2074506871, ClinGen allele CA1139667738.